The following is an entry in ClinVar:

NM_001374736.1(DST):c.19183C>T (p.Leu6395=)

Gene: DST (dystonin; minus strand). Cytogenetic location: 6p12.1.
Variant type: single nucleotide variant.
Coding change: c.19183C>T on transcript NM_001374736.1 (MANE Select); coding-DNA position 19183, C replaced by T.
Protein change: p.Leu6395=; no amino-acid change (leucine 6395 retained).
Molecular consequence: synonymous variant.
Genome position (GRCh38, 1-based): chr6:56,508,585, G>A on the plus strand (C>T on the coding strand, the complement: DST is on the minus strand). VCF-style: chr6-56508585-G-A. GRCh37 (hg19) VCF-style: chr6-56373383-G-A.
Other names: c.12826C>T, p.Leu4276= (NM_001144769.5); c.12412C>T, p.Leu4138= (NM_001144770.2); c.19183C>T, p.Leu6395= (NM_001374722.1); c.18223C>T, p.Leu6075= (NM_001374729.1); c.11965C>T, p.Leu3989= (NM_001374730.1); c.19210C>T, p.Leu6404= (NM_001374734.1); c.12292C>T, p.Leu4098= (NM_001386100.1, NM_183380.4); c.11314C>T, p.Leu3772= (NM_015548.5).
Identifiers: ClinVar variation 2161976 (VCV002161976.1), dbSNP rs2534314599, ClinGen allele CA450618633.

ClinVar aggregate classification (germline): Uncertain significance (1 of 4 stars; one submission).

Conditions:
Epidermolysis bullosa simplex 3, localized or generalized intermediate, with BP230 deficiency (EBS3). Also called: Epidermolysis bullosa simplex, autosomal recessive 2; Epidermolysis bullosa simplex due to BP230 deficiency. Identifiers: Orphanet 412181, MedGen C3809470, MONDO:0014180, OMIM 615425.
Hereditary sensory and autonomic neuropathy type 6. Also called: Neuropathy, hereditary sensory and autonomic, type VI; HSAN VI. Identifiers: Orphanet 314381, MedGen C3539003, MONDO:0013839, OMIM 614653.

gnomAD v4.1: 3 of 1,613,848 alleles (0.00019%); highest among the groups gnomAD compares: Non-Finnish European, 0.00017%; no homozygotes.

Submission:

Labcorp Genetics (formerly Invitae), Labcorp
Classification: Uncertain significance for Epidermolysis bullosa simplex 3, localized or generalized intermediate, with BP230 deficiency; Hereditary sensory and autonomic neuropathy type 6. Last evaluated: 2022-04-25. Review status: criteria provided, single submitter. Criteria: Invitae Variant Classification Sherloc (09022015). Collection method: clinical testing. Allele origin: germline.
Comment: The DST gene has multiple clinically relevant transcripts. This variant occurs in alternate transcript NM_015548.4, and corresponds to NM_001723.5:c.*106932C>T in the primary transcript. This sequence change affects codon 3772 of the DST mRNA. It is a 'silent' change, meaning that it does not change the encoded amino acid sequence of the DST protein. This variant is not present in population databases (gnomAD no frequency). This variant has not been reported in the literature in individuals affected with DST-related conditions. Experimental studies and prediction algorithms are not available or were not evaluated, and the effect of this variant on mRNA splicing is currently unknown. In summary, the available evidence is currently insufficient to determine the role of this variant in disease. Therefore, it has been classified as a Variant of Uncertain Significance.